The following is an entry in ClinVar:

NM_002361.4(MAG):c.14C>T (p.Thr5Met)

Gene: MAG (myelin associated glycoprotein; plus strand). Cytogenetic location: 19q13.12.
Variant type: single nucleotide variant.
Coding change: c.14C>T on transcript NM_002361.4 (MANE Select); coding-DNA position 14, C replaced by T.
Protein change: p.Thr5Met; replaces threonine 5 with methionine.
Molecular consequence: missense variant. On other transcripts: intron variant (1).
Genome position (GRCh38, 1-based): chr19:35,295,422, C>T. VCF-style: chr19-35295422-C-T. GRCh37 (hg19) VCF-style: chr19-35786325-C-T.
Other names: c.14C>T, p.Thr5Met (NM_080600.3); c.-85-33C>T (NM_001199216.2); short protein forms T5M.
Identifiers: ClinVar variation 704256 (VCV000704256.10), dbSNP rs149262142, ClinGen allele CA9375885.

ClinVar aggregate classification (germline): Likely benign. Review status: criteria provided, multiple submitters, no conflicts (2 of 4 stars). 3 submissions from 3 submitters: Likely benign (3). Last evaluated 2025-12-09.

Conditions:
Hereditary spastic paraplegia 75. Also called: Spastic paraplegia 75, autosomal recessive. Identifiers: Orphanet 459056, MedGen C4225250, MONDO:0014729, OMIM 616680.
Inborn genetic diseases. Identifiers: MedGen C0950123, MeSH D030342.

Allele frequency attached by ClinVar (database versions not stated): ESP Exome Variant Server 0.00077; 1000 Genomes Project 0.00080; gnomAD 0.00093 and 0.00103; 1000 Genomes Project 30x 0.00094; TOPMed 0.00106.
gnomAD v4.1: 251 of 1,614,068 alleles (0.016%); highest among the groups gnomAD compares: African/African-American, 0.3%; no homozygotes.

Submissions (3):

Labcorp Genetics (formerly Invitae), Labcorp
Classification: Likely benign for Hereditary spastic paraplegia 75. Last evaluated: 2025-12-09. Review status: criteria provided, single submitter. Criteria: Invitae Variant Classification Sherloc (09022015). Collection method: clinical testing. Allele origin: germline.

Ambry Genetics
Classification: Likely benign for Inborn genetic diseases. Last evaluated: 2024-10-07. Review status: criteria provided, single submitter. Criteria: Ambry Variant Classification Scheme 2023. Collection method: clinical testing. Allele origin: germline.

Women's Health and Genetics/Laboratory Corporation of America, LabCorp
Classification: Likely benign. Last evaluated: 2024-06-21. Review status: criteria provided, single submitter. Criteria: LabCorp Variant Classification Summary - May 2015. Collection method: clinical testing. Allele origin: germline.
Comment: Variant summary: MAG c.14C>T (p.Thr5Met) results in a non-conservative amino acid change in the encoded protein sequence. Four of five in-silico tools predict a benign effect of the variant on protein function. The variant allele was found at a frequency of 0.00021 in 251400 control chromosomes, predominantly at a frequency of 0.0028 within the African or African-American subpopulation in the gnomAD database. The observed variant frequency within African or African-American control individuals in the gnomAD database exceeds the estimated maximal expected allele frequency for a pathogenic variant in MAG causing Hereditary Spastic Paraplegia 75 phenotype. To our knowledge, no occurrence of c.14C>T in individuals affected with Hereditary Spastic Paraplegia 75 and no experimental evidence demonstrating its impact on protein function have been reported. ClinVar contains an entry for this variant (Variation ID: 704256). Based on the evidence outlined above, the variant was classified as likely benign.